The following is an entry in ClinVar:

ClinVar aggregate classification (germline): Likely benign. Review status: criteria provided, multiple submitters, no conflicts (2 of 4 stars). 2 submissions from 2 submitters: Likely benign (2). Last evaluated 2024-05-07.

Conditions:
Congenital myotonia, autosomal recessive form. Also called: BECKER DISEASE; myotonia congenita, autosomal recessive; Becker Generalized Myotonia. Identifiers: Orphanet 614, MedGen C0751360, MONDO:0009715, OMIM 255700.
Congenital myotonia, autosomal dominant form (THD). Also called: Myotonia congenita autosomal dominant; THOMSEN DISEASE. Identifiers: Orphanet 614, MedGen C2936781, MONDO:0008055, OMIM 160800.

Allele frequency attached by ClinVar (database versions not stated): TOPMed below 0.00001; ExAC 0.00001; gnomAD 0.00001; gnomAD exomes 0.00001.
gnomAD v4.1: 32 of 1,521,164 alleles (0.0021%); highest among the groups gnomAD compares: Non-Finnish European, 0.0027%; no homozygotes.

Submissions (2):

Labcorp Genetics (formerly Invitae), Labcorp
Classification: Likely benign for Congenital myotonia, autosomal recessive form; Congenital myotonia, autosomal dominant form. Last evaluated: 2024-05-07. Review status: criteria provided, single submitter. Criteria: Invitae Variant Classification Sherloc (09022015). Collection method: clinical testing. Allele origin: germline.

GeneDx
Classification: Likely benign. Last evaluated: 2016-08-18. Review status: criteria provided, single submitter. Criteria: GeneDx Variant Classification (06012015). Collection method: clinical testing. Allele origin: germline. Affected: yes.
Comment: This variant is considered likely benign or benign based on one or more of the following criteria: it is a conservative change, it occurs at a poorly conserved position in the protein, it is predicted to be benign by multiple in silico algorithms, and/or has population frequency not consistent with disease.

NM_000083.3(CLCN1):c.2284+19G>A

Gene: CLCN1 (chloride voltage-gated channel 1; plus strand). Cytogenetic location: 7q34.
Variant type: single nucleotide variant.
Coding change: c.2284+19G>A on transcript NM_000083.3 (MANE Select); 19 bases into the intron after coding-DNA position 2284, G replaced by A.
Molecular consequence: intron variant.
Genome position (GRCh38, 1-based): chr7:143,346,270, G>A. VCF-style: chr7-143346270-G-A. GRCh37 (hg19) VCF-style: chr7-143043363-G-A.
Identifiers: ClinVar variation 388594 (VCV000388594.8), dbSNP rs769666294, ClinGen allele CA4537613.